The following is an entry in ClinVar:

NM_003193.5(TBCE):c.260A>C (p.Asn87Thr)

Gene: TBCE (tubulin folding cofactor E; plus strand). Cytogenetic location: 1q42.3.
Variant type: single nucleotide variant.
Coding change: c.260A>C on transcript NM_003193.5 (MANE Select); coding-DNA position 260, A replaced by C.
Protein change: p.Asn87Thr; replaces asparagine 87 with threonine.
Molecular consequence: missense variant. On other transcripts: 5 prime UTR variant (1).
Genome position (GRCh38, 1-based): chr1:235,414,507, A>C. VCF-style: chr1-235414507-A-C. GRCh37 (hg19) VCF-style: chr1-235577822-A-C.
Other names: c.260A>C (NM_003193.3); c.260A>C, p.Asn87Thr (NM_001079515.3, NM_001287801.2); c.-136A>C (NM_001287802.2); short protein forms N87T.
Identifiers: ClinVar variation 2190863 (VCV002190863.3), dbSNP rs926114526, ClinGen allele CA39569379.

ClinVar aggregate classification (germline): Uncertain significance. Review status: criteria provided, multiple submitters, no conflicts (2 of 4 stars). 2 submissions from 2 submitters: Uncertain significance (2). Last evaluated 2026-04-22.

Conditions:
Inborn genetic diseases. Identifiers: MedGen C0950123, MeSH D030342.

Allele frequency attached by ClinVar (database versions not stated): gnomAD 0.00010; TOPMed 0.00022.
gnomAD v4.1: 31 of 1,613,718 alleles (0.0019%); highest among the groups gnomAD compares: Admixed American, 0.042%; no homozygotes.

Submissions (2):

Ambry Genetics
Classification: Uncertain significance for Inborn genetic diseases. Last evaluated: 2026-04-22. Review status: criteria provided, single submitter. Criteria: Ambry Variant Classification Scheme 2023. Collection method: clinical testing. Allele origin: germline.
Comment: The c.260A>C (p.N87T) alteration is located in exon 4 (coding exon 3) of the TBCE gene. This alteration results from a A to C substitution at nucleotide position 260, causing the asparagine (N) at amino acid position 87 to be replaced by a threonine (T). Based on data from gnomAD, the C allele has an overall frequency of 0.003% (7/251132) total alleles studied. The highest observed frequency was 0.033% (2/6130) of Other alleles. Based on insufficient or conflicting evidence, the clinical significance of this alteration remains unclear.

Labcorp Genetics (formerly Invitae), Labcorp
Classification: Uncertain significance. Last evaluated: 2022-06-30. Review status: criteria provided, single submitter. Criteria: Invitae Variant Classification Sherloc (09022015). Collection method: clinical testing. Allele origin: germline.
Comment: This sequence change replaces asparagine, which is neutral and polar, with threonine, which is neutral and polar, at codon 87 of the TBCE protein (p.Asn87Thr). This variant is present in population databases (no rsID available, gnomAD 0.01%). This variant has not been reported in the literature in individuals affected with TBCE-related conditions. Algorithms developed to predict the effect of missense changes on protein structure and function (SIFT, PolyPhen-2, Align-GVGD) all suggest that this variant is likely to be tolerated. In summary, the available evidence is currently insufficient to determine the role of this variant in disease. Therefore, it has been classified as a Variant of Uncertain Significance.